The following is an entry in ClinVar:

ClinVar aggregate classification (germline): Likely benign (1 of 4 stars; one submission).

Submission:

CeGaT Center for Human Genetics Tuebingen
Classification: Likely benign. Last evaluated: 2026-08-01. Review status: criteria provided, single submitter. Criteria: CeGaT Center For Human Genetics Tuebingen Variant Classification Criteria Version 2. Collection method: clinical testing. Allele origin: germline. Affected: yes. Observed: 3 variant alleles.
Comment: BTBD17: PM2:Supporting, BP4, BP7

NM_001080466.2(BTBD17):c.1407A>C (p.Val469=)

Gene: BTBD17 (BTB domain containing 17; minus strand). Cytogenetic location: 17q25.1.
Variant type: single nucleotide variant.
Coding change: c.1407A>C on transcript NM_001080466.2 (MANE Select); coding-DNA position 1407, A replaced by C.
Protein change: p.Val469=; no amino-acid change (valine 469 retained).
Molecular consequence: synonymous variant.
Genome position (GRCh38, 1-based): chr17:74,356,687, T>G on the plus strand (A>C on the coding strand, the complement: BTBD17 is on the minus strand). VCF-style: chr17-74356687-T-G. GRCh37 (hg19) VCF-style: chr17-72352826-T-G.
Identifiers: ClinVar variation 3250680 (VCV003250680.18), dbSNP rs2509857301.